The following is an entry in ClinVar:

ClinVar aggregate classification (germline): Pathogenic (1 of 4 stars; one submission).

Conditions:
Acute myeloid leukemia (AML). Also called: Acute myeloid leukemia, adult; AML adult; Acute non-lymphocytic leukemia; Acute granulocytic leukemia; Leukemia, acute myeloid, somatic; Leukemia, acute myelogenous, somatic. Identifiers: Orphanet 519, MedGen C0023467, MeSH D015470, MONDO:0018874, OMIM 601626, HP:0004808. Disease mechanism: Constitutively activated FLT3.

Submission:

Labcorp Genetics (formerly Invitae), Labcorp
Classification: Pathogenic for Acute myeloid leukemia. Last evaluated: 2022-01-06. Review status: criteria provided, single submitter. Criteria: Invitae Variant Classification Sherloc (09022015). Collection method: clinical testing. Allele origin: germline.
Comment: This variant disrupts the production of the full length isoform (p42) of the CEBPA protein, which results in the preferential usage of an alternate downstream in-frame methionine at codon 120. Translation starting from this methionine results in a 30 kDa N-terminal truncated isoform of CEBPA that lacks the TAD1 domain, and has been shown to abrogate CEBPA function by acting as a dominant-negative allele (PMID: 11242107, 19953636, 26162409). While functional studies have not been performed to directly test the effect of this variant on CEBPA protein function, this suggests that disruption of this region of the protein is causative of disease. This variant has not been reported in the literature in individuals affected with CEBPA-related conditions. This variant is not present in population databases (gnomAD no frequency). This sequence change creates a premature translational stop signal (p.Ser65Argfs*95) in the CEBPA gene. While this is not anticipated to result in nonsense mediated decay, it is expected to disrupt the last 294 amino acid(s) of the CEBPA protein. For these reasons, this variant has been classified as Pathogenic. This variant disrupts the region of the CEBPA protein between codon 1 and 120. Other variants in this region have been observed in individuals with autosomal dominant CEBPA-related conditions (PMID: 11242107, 31867767, 32430494; Invitae), which suggests that this may be a clinically significant region of the protein.

Literature cited by the submitters: PubMed 11242107; PubMed 19953636; PubMed 26162409; PubMed 31867767; PubMed 32430494.

NM_004364.5(CEBPA):c.195_198delinsACG (p.Ser65fs)

Gene: CEBPA (CCAAT enhancer binding protein alpha; minus strand). Cytogenetic location: 19q13.11.
Variant type: Indel.
Coding change: c.195_198delinsACG on transcript NM_004364.5 (MANE Select); coding-DNA positions 195 to 198, CGCC replaced by ACG.
Protein change: p.Ser65fs; shifts the reading frame from serine 65.
Molecular consequence: frameshift variant. On other transcripts: 5 prime UTR variant (1).
Genome position (GRCh38, 1-based): chr19:33,302,217-33,302,220, GGCG replaced by CGT on the plus strand (CGCC replaced by ACG on the coding strand, the reverse complement: CEBPA is on the minus strand). VCF-style: chr19-33302217-GGCG-CGT. GRCh37 (hg19) VCF-style: chr19-33793123-GGCG-CGT.
Other names: c.-163_-160delinsACG (NM_001285829.2); c.300_303delinsACG, p.Ser100fs (NM_001287424.2); c.153_156delinsACG, p.Ser51fs (NM_001287435.2); short protein forms S100fs, S65fs, S51fs.
Identifiers: ClinVar variation 644813 (VCV000644813.8), dbSNP rs1600023950, ClinGen allele CA915952947.